The following is an entry in ClinVar:

NM_021096.4(CACNA1I):c.1416G>T (p.Pro472=)

Gene: CACNA1I (calcium voltage-gated channel subunit alpha1 I; plus strand). Cytogenetic location: 22q13.1.
Variant type: single nucleotide variant.
Coding change: c.1416G>T on transcript NM_021096.4 (MANE Select); coding-DNA position 1416, G replaced by T.
Protein change: p.Pro472=; no amino-acid change (proline 472 retained).
Molecular consequence: synonymous variant.
Genome position (GRCh38, 1-based): chr22:39,646,835, G>T. VCF-style: chr22-39646835-G-T. GRCh37 (hg19) VCF-style: chr22-40042840-G-T.
Other names: c.1416G>T, p.Pro472= (NM_001003406.2).
Identifiers: ClinVar variation 3050629 (VCV003050629.4), dbSNP rs201381034, ClinGen allele CA10243832.
Genomic context (GRCh38, chr22:39,646,835, plus strand): 5'-CGCCCTGGGCCTCTACCAGGCCCTGCAGAGCCGGCGCCAGGCCCTGGGCCCGGAGGCCCC[G>T]GCCCCCGCCAAACCTGGGCCCCACGCCAAGGAGCCCCGGCACTACCGTAAGTGGCCCTGC-3'
Protein context (NP_066919.2, residues 462-482): SRRQALGPEA[Pro472=]APAKPGPHAK

ClinVar aggregate classification (germline): Likely benign. Review status: criteria provided, multiple submitters, no conflicts (2 of 4 stars). 3 submissions from 3 submitters: Likely benign (2). 1 of the submissions does not count toward it. Last evaluated 2024-10-02.

Conditions:
CACNA1I-related disorder. Also called: CACNA1I-related condition.

Allele frequency attached by ClinVar (database versions not stated): 1000 Genomes Project 30x 0.00187; 1000 Genomes Project 0.00200.
gnomAD v4.1: 598 of 1,536,008 alleles (0.039%); highest among the groups gnomAD compares: African/African-American, 0.78%; 5 homozygotes.

Submissions (3):

Blueprint Genetics
Classification: Likely benign. Last evaluated: 2024-10-02. Review status: criteria provided, single submitter. Criteria: ACMG Guidelines, 2015. Collection method: clinical testing. Allele origin: germline.

Breakthrough Genomics
Classification: Likely benign. Review status: criteria provided, single submitter. Criteria: ACMG Guidelines, 2015. Collection method: not provided. Allele origin: germline. Inheritance: Autosomal dominant inheritance. Affected: yes.

PreventionGenetics, part of Exact Sciences
Classification: Likely benign for CACNA1I-related condition. Last evaluated: 2024-06-08. Review status: no assertion criteria provided. Collection method: clinical testing. Allele origin: germline. Not counted in ClinVar's aggregate classification.
Comment: This variant is classified as likely benign based on ACMG/AMP sequence variant interpretation guidelines (Richards et al. 2015 PMID: 25741868, with internal and published modifications).